The following is an entry in ClinVar:

NM_020937.4(FANCM):c.1131G>A (p.Met377Ile)

Gene: FANCM (FA complementation group M; plus strand). Cytogenetic location: 14q21.2.
Variant type: single nucleotide variant.
Coding change: c.1131G>A on transcript NM_020937.4 (MANE Select); coding-DNA position 1131, G replaced by A.
Protein change: p.Met377Ile; replaces methionine 377 with isoleucine.
Molecular consequence: missense variant.
Genome position (GRCh38, 1-based): chr14:45,154,000, G>A. VCF-style: chr14-45154000-G-A. GRCh37 (hg19) VCF-style: chr14-45623203-G-A.
Other names: c.1053G>A, p.Met351Ile (NM_001308133.2); c.1131G>A, p.Met377Ile (NM_001308134.2); short protein forms M377I, M351I.
Identifiers: ClinVar variation 643907 (VCV000643907.10), dbSNP rs760935075, ClinGen allele CA7168939.

ClinVar aggregate classification (germline): Uncertain significance. Review status: criteria provided, multiple submitters, no conflicts (2 of 4 stars). 2 submissions from 2 submitters: Uncertain significance (2). Last evaluated 2025-03-10.

Conditions:
Fanconi anemia (FA). Also called: Fanconi's anemia. Identifiers: Orphanet 84, MedGen C0015625, MeSH D005199, MONDO:0019391.

Allele frequency attached by ClinVar (database versions not stated): gnomAD exomes 0.00002 and 0.00004; ExAC 0.00003.
gnomAD v4.1: 51 of 1,585,440 alleles (0.0032%); highest among the groups gnomAD compares: Non-Finnish European, 0.0042%; no homozygotes.

Submissions (2):

GeneDx
Classification: Uncertain significance. Last evaluated: 2025-03-10. Review status: criteria provided, single submitter. Criteria: GeneDx Variant Classification Process June 2021. Collection method: clinical testing. Allele origin: germline. Affected: yes.
Comment: Not observed at significant frequency in large population cohorts (gnomAD); In silico analysis supports that this missense variant has a deleterious effect on protein structure/function; Has not been previously published as pathogenic or benign to our knowledge

Labcorp Genetics (formerly Invitae), Labcorp
Classification: Uncertain significance for Fanconi anemia. Last evaluated: 2022-10-03. Review status: criteria provided, single submitter. Criteria: Invitae Variant Classification Sherloc (09022015). Collection method: clinical testing. Allele origin: germline.
Comment: Algorithms developed to predict the effect of missense changes on protein structure and function (SIFT, PolyPhen-2, Align-GVGD) all suggest that this variant is likely to be tolerated. In summary, the available evidence is currently insufficient to determine the role of this variant in disease. Therefore, it has been classified as a Variant of Uncertain Significance. ClinVar contains an entry for this variant (Variation ID: 643907). This variant has not been reported in the literature in individuals affected with FANCM-related conditions. This variant is present in population databases (rs760935075, gnomAD 0.003%). This sequence change replaces methionine, which is neutral and non-polar, with isoleucine, which is neutral and non-polar, at codon 377 of the FANCM protein (p.Met377Ile).